The following is an entry in ClinVar:

ClinVar aggregate classification (germline): Uncertain significance (1 of 4 stars; one submission).

Submission:

Mayo Clinic Laboratories, Mayo Clinic
Classification: Uncertain significance. Last evaluated: 2025-08-01. Review status: criteria provided, single submitter. Criteria: ACMG Guidelines, 2015. Collection method: clinical testing. Allele origin: germline. Observed: 1 variant allele.
Comment: PP3, PM2_supporting

NM_000090.4(COL3A1):c.3488C>G (p.Pro1163Arg)

Gene: COL3A1 (collagen type III alpha 1 chain; plus strand). Cytogenetic location: 2q32.2.
Variant type: single nucleotide variant.
Coding change: c.3488C>G on transcript NM_000090.4 (MANE Select); coding-DNA position 3488, C replaced by G.
Protein change: p.Pro1163Arg; replaces proline 1163 with arginine.
Molecular consequence: missense variant.
Genome position (GRCh38, 1-based): chr2:189,008,105, C>G. VCF-style: chr2-189008105-C-G. GRCh37 (hg19) VCF-style: chr2-189872831-C-G.
Other names: p.Pro1163Arg; short protein forms P1163R.
Identifiers: ClinVar variation 4540783 (VCV004540783.1).